The following is an entry in ClinVar:

ClinVar aggregate classification (germline): Uncertain significance. Review status: criteria provided, multiple submitters, no conflicts (2 of 4 stars). 3 submissions from 3 submitters: Uncertain significance (3). Last evaluated 2025-03-05.

Conditions:
Sitosterolemia 1. Identifiers: MedGen C2749759, MONDO:0020747, OMIM 210250.
Cardiovascular phenotype. Identifiers: MedGen CN230736.

Allele frequency attached by ClinVar (database versions not stated): ExAC 0.00003; gnomAD 0.00004; TOPMed 0.00004; 1000 Genomes Project 30x 0.00016; 1000 Genomes Project 0.00020; gnomAD exomes 0.00002.
gnomAD v4.1: 11 of 1,614,184 alleles (0.00068%); highest among the groups gnomAD compares: East Asian, 0.022%; no homozygotes.

Submissions (3):

Labcorp Genetics (formerly Invitae), Labcorp
Classification: Uncertain significance. Last evaluated: 2025-03-05. Review status: criteria provided, single submitter. Criteria: Invitae Variant Classification Sherloc (09022015). Collection method: clinical testing. Allele origin: germline.
Comment: This sequence change replaces asparagine, which is neutral and polar, with lysine, which is basic and polar, at codon 262 of the ABCG8 protein (p.Asn262Lys). This variant is present in population databases (rs199737442, gnomAD 0.03%). This missense change has been observed in individual(s) with abnormality of the digestive system (PMID: 30968598). ClinVar contains an entry for this variant (Variation ID: 898170). Invitae Evidence Modeling of protein sequence and biophysical properties (such as structural, functional, and spatial information, amino acid conservation, physicochemical variation, residue mobility, and thermodynamic stability) indicates that this missense variant is not expected to disrupt ABCG8 protein function with a negative predictive value of 80%. In summary, the available evidence is currently insufficient to determine the role of this variant in disease. Therefore, it has been classified as a Variant of Uncertain Significance.

Ambry Genetics
Classification: Uncertain significance for Cardiovascular phenotype. Last evaluated: 2022-09-29. Review status: criteria provided, single submitter. Criteria: Ambry Variant Classification Scheme 2023. Collection method: clinical testing. Allele origin: germline.
Comment: The p.N262K variant (also known as c.786C>A), located in coding exon 6 of the ABCG8 gene, results from a C to A substitution at nucleotide position 786. The asparagine at codon 262 is replaced by lysine, an amino acid with similar properties. This alteration has been reported in a diverse pediatric Chinese cohort that underwent genetic testing (Hong S et al. Mol Genet Genomic Med, 2019 06;7:e684). This amino acid position is highly conserved in available vertebrate species. In addition, this alteration is predicted to be tolerated by in silico analysis. Since supporting evidence is limited at this time, the clinical significance of this alteration remains unclear.

Illumina Laboratory Services, Illumina
Classification: Uncertain significance for Sitosterolemia 1. Last evaluated: 2018-01-13. Review status: criteria provided, single submitter. Criteria: ICSL Variant Classification Criteria 13 December 2019. Collection method: clinical testing. Allele origin: germline.

Literature cited by the submitters: PubMed 30968598 (cited by Labcorp Genetics (formerly Invitae), Labcorp and Ambry Genetics).

NM_022437.3(ABCG8):c.786C>A (p.Asn262Lys)

Gene: ABCG8 (ATP binding cassette subfamily G member 8; plus strand). Cytogenetic location: 2p21.
Variant type: single nucleotide variant.
Coding change: c.786C>A on transcript NM_022437.3 (MANE Select); coding-DNA position 786, C replaced by A.
Protein change: p.Asn262Lys; replaces asparagine 262 with lysine.
Molecular consequence: missense variant.
Genome position (GRCh38, 1-based): chr2:43,852,690, C>A. VCF-style: chr2-43852690-C-A. GRCh37 (hg19) VCF-style: chr2-44079829-C-A.
Other names: c.786C>A, p.Asn262Lys (NM_001357321.2); short protein forms N262K.
Identifiers: ClinVar variation 898170 (VCV000898170.7), dbSNP rs199737442, ClinGen allele CA1637170.